The following is an entry in ClinVar:

NM_001257281.2(DIS3L2):c.1651_1652insGGG (p.Glu550_Ala551insGly)

Gene: DIS3L2 (DIS3 like 3'-5' exoribonuclease 2; plus strand). Cytogenetic location: 2q37.1.
Variant type: Insertion.
Coding change: c.1651_1652insGGG on transcript NM_001257281.2; coding-DNA positions 1651 to 1652, GGG inserted.
Protein change: p.Glu550_Ala551insGly.
Molecular consequence: inframe insertion.
Genome position: GRCh38 VCF-style: chr2-232343413-A-AGGG. GRCh37 (hg19) VCF-style: chr2-233208123-A-AGGG.
Other names: c.1650_1651insGGG (NM_001257281.2).
Identifiers: ClinVar variation 1298857 (VCV001298857.39), dbSNP rs141560952, ClinGen allele CA2164744.

ClinVar aggregate classification (germline): Conflicting classifications of pathogenicity. Review status: criteria provided, conflicting classifications (1 of 4 stars). 6 submissions from 6 submitters: Uncertain significance (1); Benign (1); Likely benign (3). 1 of the submissions does not count toward it. Last evaluated 2026-09-01.

Conditions:
Perlman syndrome (PRLMNS). Identifiers: Orphanet 2849, MedGen C0796113, MONDO:0009965, OMIM 267000.
DIS3L2-related disorder. Also called: DIS3L2-related condition.

Submissions (6):

CeGaT Center for Human Genetics Tuebingen
Classification: Likely benign. Last evaluated: 2026-09-01. Review status: criteria provided, single submitter. Criteria: CeGaT Center For Human Genetics Tuebingen Variant Classification Criteria Version 2. Collection method: clinical testing. Allele origin: germline. Affected: yes. Observed: 93 variant alleles.
Comment: DIS3L2: PM4:Supporting, BS2

Laboratory of Genetics, Children's Clinical University Hospital Latvia
Classification: Likely benign. Last evaluated: 2025-02-16. Review status: criteria provided, single submitter. Criteria: ACMG Guidelines, 2015. Collection method: clinical testing. Allele origin: germline. Affected: yes.

Institute for Clinical Genetics, University Hospital TU Dresden, University Hospital TU Dresden
Classification: Uncertain significance. Last evaluated: 2021-11-03. Review status: criteria provided, single submitter. Criteria: ACMG Guidelines, 2015. Collection method: clinical testing. Allele origin: germline.

Sema4
Classification: Benign for Perlman syndrome. Last evaluated: 2020-10-09. Review status: criteria provided, single submitter. Criteria: Sema4 Curation Guidelines. Collection method: curation. Allele origin: germline.

Department of Pathology and Laboratory Medicine, Sinai Health System
Classification: Likely benign for Perlman syndrome. Last evaluated: 2019-04-22. Review status: criteria provided, single submitter. Criteria: ACMG Guidelines, 2015. Collection method: research. Allele origin: germline.

PreventionGenetics, part of Exact Sciences
Classification: Likely benign for DIS3L2-related condition. Last evaluated: 2019-11-22. Review status: no assertion criteria provided. Collection method: clinical testing. Allele origin: germline. Not counted in ClinVar's aggregate classification.
Comment: This variant is classified as likely benign based on ACMG/AMP sequence variant interpretation guidelines (Richards et al. 2015 PMID: 25741868, with internal and published modifications).